The following is an entry in ClinVar:

NM_002609.4(PDGFRB):c.2062G>C (p.Asp688His)

Gene: PDGFRB (platelet derived growth factor receptor beta; minus strand). Cytogenetic location: 5q32.
Variant type: single nucleotide variant.
Coding change: c.2062G>C on transcript NM_002609.4 (MANE Select); coding-DNA position 2062, G replaced by C.
Protein change: p.Asp688His; replaces aspartic acid 688 with histidine.
Molecular consequence: missense variant.
Genome position (GRCh38, 1-based): chr5:150,123,163, C>G on the plus strand (G>C on the coding strand, the complement: PDGFRB is on the minus strand). VCF-style: chr5-150123163-C-G. GRCh37 (hg19) VCF-style: chr5-149502726-C-G.
Other names: c.1870G>C, p.Asp624His (NM_001355016.2); c.1579G>C, p.Asp527His (NM_001355017.2); short protein forms D688H, D527H, D624H.
Identifiers: ClinVar variation 2953156 (VCV002953156.3), dbSNP rs1249635203, ClinGen allele CA361763038.

ClinVar aggregate classification (germline): Uncertain significance (1 of 4 stars; one submission).

Conditions:
Infantile myofibromatosis (IMF). Also called: Congenital generalized fibromatosis. Identifiers: Orphanet 2591, MedGen C0432284, MONDO:0016824.
Skeletal overgrowth-craniofacial dysmorphism-hyperelastic skin-white matter lesions syndrome. Also called: SKELETAL OVERGROWTH WITH FACIAL DYSMORPHISM, HYPERELASTIC SKIN, WHITE MATTER LESIONS, AND NEUROLOGIC DETERIORATION; Kosaki overgrowth syndrome. Identifiers: Orphanet 477831, MedGen C4225270, MONDO:0014704, OMIM 616592.
Acroosteolysis-keloid-like lesions-premature aging syndrome. Also called: Premature aging syndrome, Penttinen type; Prematurely aged appearance, delayed bone maturation, acro-osteolysis, and brachydactyly; Progeroid syndrome, Penttinen type. Identifiers: Orphanet 363665, MedGen C1866182, MONDO:0011150, OMIM 601812.
Basal ganglia calcification, idiopathic, 4 (PFBC4). Also called: Familial Idiopathic Basal Ganglia Calcification 4; PRIMARY FAMILIAL BRAIN CALCIFICATION 4, AUTOSOMAL DOMINANT. Identifiers: Orphanet 1980, MedGen C3554321, MONDO:0014004, OMIM 615007.

Submission:

Labcorp Genetics (formerly Invitae), Labcorp
Classification: Uncertain significance for Basal ganglia calcification, idiopathic, 4; Skeletal overgrowth-craniofacial dysmorphism-hyperelastic skin-white matter lesions syndrome; Infantile myofibromatosis; Acroosteolysis-keloid-like lesions-premature aging syndrome. Last evaluated: 2023-10-30. Review status: criteria provided, single submitter. Criteria: Invitae Variant Classification Sherloc (09022015). Collection method: clinical testing. Allele origin: germline.
Comment: This sequence change replaces aspartic acid, which is acidic and polar, with histidine, which is basic and polar, at codon 688 of the PDGFRB protein (p.Asp688His). This variant is not present in population databases (gnomAD no frequency). This variant has not been reported in the literature in individuals affected with PDGFRB-related conditions. Advanced modeling of protein sequence and biophysical properties (such as structural, functional, and spatial information, amino acid conservation, physicochemical variation, residue mobility, and thermodynamic stability) has been performed at Invitae for this missense variant, however the output from this modeling did not meet the statistical confidence thresholds required to predict the impact of this variant on PDGFRB protein function. In summary, the available evidence is currently insufficient to determine the role of this variant in disease. Therefore, it has been classified as a Variant of Uncertain Significance.